The following is an entry in ClinVar:

NM_015419.4(MXRA5):c.5938C>T (p.Pro1980Ser)

Gene: MXRA5 (matrix remodeling associated 5; minus strand). Cytogenetic location: Xp22.33.
Variant type: single nucleotide variant.
Coding change: c.5938C>T on transcript NM_015419.4 (MANE Select); coding-DNA position 5938, C replaced by T.
Protein change: p.Pro1980Ser; replaces proline 1980 with serine.
Molecular consequence: missense variant.
Genome position (GRCh38, 1-based): chrX:3,317,743, G>A on the plus strand (C>T on the coding strand, the complement: MXRA5 is on the minus strand). VCF-style: chrX-3317743-G-A. GRCh37 (hg19) VCF-style: chrX-3235784-G-A.
Other names: short protein forms P1980S.
Identifiers: ClinVar variation 2659880 (VCV002659880.24), dbSNP rs867838465, ClinGen allele CA326015895.

ClinVar aggregate classification (germline): Uncertain significance (1 of 4 stars; one submission).

Submission:

CeGaT Center for Human Genetics Tuebingen
Classification: Uncertain significance. Last evaluated: 2022-12-01. Review status: criteria provided, single submitter. Criteria: CeGaT Center For Human Genetics Tuebingen Variant Classification Criteria Version 2. Collection method: clinical testing. Allele origin: germline. Affected: yes. Observed: 1 variant allele.
Comment: MXRA5: PM2